The following is an entry in ClinVar:

NM_199355.4(ADAMTS18):c.890C>T (p.Thr297Ile)

Gene: ADAMTS18 (ADAM metallopeptidase with thrombospondin type 1 motif 18; minus strand). Cytogenetic location: 16q23.1.
Variant type: single nucleotide variant.
Coding change: c.890C>T on transcript NM_199355.4 (MANE Select); coding-DNA position 890, C replaced by T.
Protein change: p.Thr297Ile; replaces threonine 297 with isoleucine.
Molecular consequence: missense variant.
Genome position (GRCh38, 1-based): chr16:77,364,270, G>A on the plus strand (C>T on the coding strand, the complement: ADAMTS18 is on the minus strand). VCF-style: chr16-77364270-G-A. GRCh37 (hg19) VCF-style: chr16-77398167-G-A.
Other names: c.374C>T, p.Thr125Ile (NM_001326358.2); short protein forms T125I, T297I.
Identifiers: ClinVar variation 2073567 (VCV002073567.4), dbSNP rs966573905, ClinGen allele CA284437831.

ClinVar aggregate classification (germline): Uncertain significance (1 of 4 stars; one submission).

Allele frequency attached by ClinVar (database versions not stated): gnomAD exomes below 0.00001.
gnomAD v4.1: 3 of 1,613,912 alleles (0.00019%); highest among the groups gnomAD compares: Admixed American, 0.0017%; no homozygotes.

Submission:

Labcorp Genetics (formerly Invitae), Labcorp
Classification: Uncertain significance. Last evaluated: 2022-07-26. Review status: criteria provided, single submitter. Criteria: Invitae Variant Classification Sherloc (09022015). Collection method: clinical testing. Allele origin: germline.
Comment: In summary, the available evidence is currently insufficient to determine the role of this variant in disease. Therefore, it has been classified as a Variant of Uncertain Significance. Algorithms developed to predict the effect of missense changes on protein structure and function are either unavailable or do not agree on the potential impact of this missense change (SIFT: "Not Available"; PolyPhen-2: "Probably Damaging"; Align-GVGD: "Not Available"). This variant has not been reported in the literature in individuals affected with ADAMTS18-related conditions. This variant is not present in population databases (gnomAD no frequency). This sequence change replaces threonine, which is neutral and polar, with isoleucine, which is neutral and non-polar, at codon 297 of the ADAMTS18 protein (p.Thr297Ile).